The following is an entry in ClinVar:

NM_003000.3(SDHB):c.287-8T>C

Gene: SDHB (succinate dehydrogenase complex iron sulfur subunit B; minus strand). Cytogenetic location: 1p36.13.
Variant type: single nucleotide variant.
Coding change: c.287-8T>C on transcript NM_003000.3 (MANE Select); 8 bases into the intron before coding-DNA position 287, T replaced by C.
Molecular consequence: intron variant.
Genome position (GRCh38, 1-based): chr1:17,028,744, A>G on the plus strand (T>C on the coding strand, the complement: SDHB is on the minus strand). VCF-style: chr1-17028744-A-G. GRCh37 (hg19) VCF-style: chr1-17355239-A-G.
Identifiers: ClinVar variation 1557060 (VCV001557060.17), dbSNP rs2101523482, ClinGen allele CA2573130528.
Genomic context (GRCh38, chr1:17,028,744, plus strand): 5'-GCAAGCTAGAGTGTTGCCTCCATTGATGTTCATTGCACAAGAGCCACAGATGCCTGAAAG[A>G]GACACACATTTAACACATCCTCACCCATATCCGGAATCAGTCCTGCCCCAAATACTTTCT-3'

ClinVar aggregate classification (germline): Likely benign. Review status: criteria provided, multiple submitters, no conflicts (2 of 4 stars). 2 submissions from 2 submitters: Likely benign (2). Last evaluated 2026-01-31.

Conditions:
Pheochromocytoma. Also called: MAX-Related Hereditary Paraganglioma-Pheochromocytoma Syndrome. Identifiers: Orphanet 29072, MedGen C0031511, MONDO:0008233, OMIM 171300, HP:0002666.
Pheochromocytoma/paraganglioma syndrome 4. Also called: PHEOCHROMOCYTOMA, FAMILIAL EXTRAADRENAL; CAROTID BODY TUMORS AND MULTIPLE EXTRAADRENAL PHEOCHROMOCYTOMAS; PARAGANGLIOMA, FAMILIAL MALIGNANT; PARAGANGLIOMAS, HEREDITARY EXTRAADRENAL; Paragangliomas 4; SDHB-Related Hereditary Paraganglioma-Pheochromocytoma Syndrome (Paragangliomas 4). Identifiers: Orphanet 29072, MedGen C1861848, MONDO:0007273, OMIM 115310.
Gastrointestinal stromal tumor. Also called: Gastrointestinal stromal tumor, somatic; Gastrointestinal stroma tumor. Identifiers: Orphanet 44890, MedGen C0238198, MeSH D046152, MONDO:0011719, OMIM 606764, HP:0100723.

Submissions (2):

Labcorp Genetics (formerly Invitae), Labcorp
Classification: Likely benign for Gastrointestinal stromal tumor; Pheochromocytoma/paraganglioma syndrome 4; Pheochromocytoma. Last evaluated: 2026-01-31. Review status: criteria provided, single submitter. Criteria: Invitae Variant Classification Sherloc (09022015). Collection method: clinical testing. Allele origin: germline.

Myriad Genetics, Inc.
Classification: Likely benign for Pheochromocytoma/paraganglioma syndrome 4. Last evaluated: 2025-03-12. Review status: criteria provided, single submitter. Criteria: Myriad Autosomal Dominant, Autosomal Recessive and X-Linked Classification Criteria (2023). Collection method: clinical testing. Allele origin: unknown.
Comment: This variant is considered likely benign. This variant is intronic and is not expected to impact mRNA splicing.